The following is an entry in ClinVar:

NM_001353788.2(APBA2):c.1077G>A (p.Gly359=)

Gene: APBA2 (amyloid beta precursor protein binding family A member 2; plus strand). Cytogenetic location: 15q13.1.
Variant type: single nucleotide variant.
Coding change: c.1077G>A on transcript NM_001353788.2 (MANE Select); coding-DNA position 1077, G replaced by A.
Protein change: p.Gly359=; no amino-acid change (glycine 359 retained).
Molecular consequence: synonymous variant.
Genome position (GRCh38, 1-based): chr15:29,093,082, G>A. VCF-style: chr15-29093082-G-A. GRCh37 (hg19) VCF-style: chr15-29385285-G-A.
Other names: c.1077G>A, p.Gly359= (NM_001130414.1, NM_001353789.2, NM_001353790.2 and 6 more transcripts); c.189G>A, p.Gly63= (NM_001353796.2, NM_001353797.2).
Identifiers: ClinVar variation 746844 (VCV000746844.5), dbSNP rs144741312, ClinGen allele CA7445290.

ClinVar aggregate classification (germline): Likely benign. Review status: criteria provided, single submitter (1 of 4 stars). 2 submissions from 2 submitters: Likely benign (1). 1 of the submissions does not count toward it. Last evaluated 2018-03-29.

Conditions:
APBA2-related disorder. Also called: APBA2-related condition.

Allele frequency attached by ClinVar (database versions not stated): ESP Exome Variant Server 0.00008; gnomAD 0.00016; TOPMed 0.00018; 1000 Genomes Project 30x 0.00031; 1000 Genomes Project 0.00040.
gnomAD v4.1: 62 of 1,614,178 alleles (0.0038%); highest among the groups gnomAD compares: African/African-American, 0.069%; no homozygotes.

Submissions (2):

Labcorp Genetics (formerly Invitae), Labcorp
Classification: Likely benign. Last evaluated: 2018-03-29. Review status: criteria provided, single submitter. Criteria: Invitae Variant Classification Sherloc (09022015). Collection method: clinical testing. Allele origin: germline.

PreventionGenetics, part of Exact Sciences
Classification: Likely benign for APBA2-related condition. Last evaluated: 2019-04-25. Review status: no assertion criteria provided. Collection method: clinical testing. Allele origin: germline. Not counted in ClinVar's aggregate classification.
Comment: This variant is classified as likely benign based on ACMG/AMP sequence variant interpretation guidelines (Richards et al. 2015 PMID: 25741868, with internal and published modifications).